The following is an entry in ClinVar:

ClinVar aggregate classification (germline): Uncertain significance (1 of 4 stars; one submission).

Conditions:
Hereditary pancreatitis (PCTT). Also called: Hereditary chronic pancreatitis; PRSS1-Related Hereditary Pancreatitis. Identifiers: Orphanet 676, MedGen C0238339, MONDO:0008185, OMIM 167800.

Allele frequency attached by ClinVar (database versions not stated): gnomAD 0.00002.
gnomAD v4.1: 24 of 1,613,176 alleles (0.0015%); highest among the groups gnomAD compares: Admixed American, 0.0033%; no homozygotes.

Submission:

Labcorp Genetics (formerly Invitae), Labcorp
Classification: Uncertain significance for Hereditary pancreatitis. Last evaluated: 2023-06-17. Review status: criteria provided, single submitter. Criteria: Invitae Variant Classification Sherloc (09022015). Collection method: clinical testing. Allele origin: germline.
Comment: ClinVar contains an entry for this variant (Variation ID: 1517979). In summary, the available evidence is currently insufficient to determine the role of this variant in disease. Therefore, it has been classified as a Variant of Uncertain Significance. Variants that disrupt the consensus splice site are a relatively common cause of aberrant splicing (PMID: 17576681, 9536098). Algorithms developed to predict the effect of sequence changes on RNA splicing suggest that this variant is not likely to affect RNA splicing. This variant has not been reported in the literature in individuals affected with CTRC-related conditions. This variant is present in population databases (no rsID available, gnomAD 0.0008%). This sequence change falls in intron 3 of the CTRC gene. It does not directly change the encoded amino acid sequence of the CTRC protein. It affects a nucleotide within the consensus splice site.

Literature cited by the submitters: PubMed 17576681; PubMed 9536098.

NM_007272.3(CTRC):c.230+6C>T

Gene: CTRC (chymotrypsin C; plus strand). Cytogenetic location: 1p36.21.
Variant type: single nucleotide variant.
Coding change: c.230+6C>T on transcript NM_007272.3 (MANE Select); 6 bases into the intron after coding-DNA position 230, C replaced by T.
Molecular consequence: intron variant.
Genome position (GRCh38, 1-based): chr1:15,440,596, C>T. VCF-style: chr1-15440596-C-T. GRCh37 (hg19) VCF-style: chr1-15767092-C-T.
Identifiers: ClinVar variation 1517979 (VCV001517979.6), dbSNP rs1331333297, ClinGen allele CA521278991.